The following is an entry in ClinVar:

NC_000009.12:g.35657754G>C

Gene: RMRP (RNA component of mitochondrial RNA processing endoribonuclease; minus strand). Cytogenetic location: 9p13.3.
Variant type: single nucleotide variant.
Genome position: GRCh38 VCF-style: chr9-35657754-G-C. GRCh37 (hg19) VCF-style: chr9-35657751-G-C.
Identifiers: ClinVar variation 2075896 (VCV002075896.2), dbSNP rs962412737, ClinGen allele CA192745526.

ClinVar aggregate classification (germline): Uncertain significance (1 of 4 stars; one submission).

Conditions:
Anauxetic dysplasia. Identifiers: Orphanet 93347, MedGen C1846796, MONDO:0011773.

gnomAD v4.1: 11 of 685,222 alleles (0.0016%); highest among the groups gnomAD compares: Admixed American, 0.0061%; no homozygotes.

Submission:

Labcorp Genetics (formerly Invitae), Labcorp
Classification: Uncertain significance for Anauxetic dysplasia. Last evaluated: 2024-11-27. Review status: criteria provided, single submitter. Criteria: Invitae Variant Classification Sherloc (09022015). Collection method: clinical testing. Allele origin: germline.
Comment: This variant occurs in the RMRP gene, which encodes an RNA molecule that does not result in a protein product. This variant is present in population databases (no rsID available, gnomAD 0.02%). This variant has not been reported in the literature in individuals affected with RMRP-related conditions. ClinVar contains an entry for this variant (Variation ID: 2075896). Experimental studies and prediction algorithms are not available or were not evaluated, and the functional significance of this variant is currently unknown. In summary, the available evidence is currently insufficient to determine the role of this variant in disease. Therefore, it has been classified as a Variant of Uncertain Significance.